The following is an entry in ClinVar:

ClinVar aggregate classification (germline): Benign/Likely benign. Review status: criteria provided, multiple submitters, no conflicts (2 of 4 stars). 3 submissions from 3 submitters: Benign (1); Likely benign (1). 1 of the submissions does not count toward it. Last evaluated 2024-11-27.

Conditions:
SPTB-related disorder. Also called: SPTB-related condition; SPTB-Related Disorders.

Allele frequency attached by ClinVar (database versions not stated): gnomAD exomes 0.00011 and 0.00060; gnomAD 0.00018 and 0.00029; TOPMed 0.00021; ExAC 0.00046; 1000 Genomes Project 30x 0.00219; 1000 Genomes Project 0.00280.
gnomAD v4.1: 215 of 1,602,284 alleles (0.013%); highest among the groups gnomAD compares: East Asian, 0.44%; no homozygotes.

Submissions (3):

Blueprint Genetics
Classification: Likely benign. Last evaluated: 2024-11-27. Review status: criteria provided, single submitter. Criteria: ACMG Guidelines, 2015. Collection method: clinical testing. Allele origin: germline.

ARUP Laboratories, Molecular Genetics and Genomics, ARUP Laboratories
Classification: Benign. Last evaluated: 2020-05-01. Review status: criteria provided, single submitter. Criteria: ARUP Molecular Germline Variant Investigation Process. Collection method: clinical testing. Allele origin: germline.

PreventionGenetics, part of Exact Sciences
Classification: Benign for SPTB-related condition. Last evaluated: 2019-02-19. Review status: no assertion criteria provided. Collection method: clinical testing. Allele origin: germline. Not counted in ClinVar's aggregate classification.
Comment: This variant is classified as benign based on ACMG/AMP sequence variant interpretation guidelines (Richards et al. 2015 PMID: 25741868, with internal and published modifications).

NM_001355436.2(SPTB):c.6846C>T (p.Gly2282=)

Genes: PLEKHG3 (pleckstrin homology and RhoGEF domain containing G3; plus strand), SPTB (spectrin beta, erythrocytic; minus strand). Cytogenetic location: 14q23.3.
Variant type: single nucleotide variant.
Coding change: c.6846C>T on transcript NM_001355436.2 (MANE Select); coding-DNA position 6846, C replaced by T.
Protein change: p.Gly2282=; no amino-acid change (glycine 2282 retained).
Molecular consequence: synonymous variant. On other transcripts: 3 prime UTR variant (1).
Genome position (GRCh38, 1-based): chr14:64,749,447, G>A on the plus strand (C>T on the coding strand, the complement: SPTB is on the minus strand). VCF-style: chr14-64749447-G-A. GRCh37 (hg19) VCF-style: chr14-65216165-G-A.
Other names: c.*5744G>A (NM_001308147.2); c.6846C>T, p.Gly2282= (NM_001024858.4).
Identifiers: ClinVar variation 994335 (VCV000994335.11), dbSNP rs200228159, ClinGen allele CA7229349.
Genomic context (GRCh38, chr14:64,749,447, plus strand): 5'-CAGGGGCAGGCTCTGCGCCTTGACGCGGATGCTCTGGGACTCGTTGATGGCGGTGCTCAC[G>A]CCCTGCAGCCAGGACAGCATCTCCTCCTGCGGGGCGGAGGGTCACGGTGGAGTCTGGAGG-3'
Protein context (NP_001342365.1, residues 2272-2292): DEEEMLSWLQ[Gly2282=]VSTAINESQS